The following is an entry in ClinVar:

NM_006947.4(SRP72):c.100G>C (p.Val34Leu)

Gene: SRP72 (signal recognition particle 72; plus strand). Cytogenetic location: 4q12.
Variant type: single nucleotide variant.
Coding change: c.100G>C on transcript NM_006947.4 (MANE Select); coding-DNA position 100, G replaced by C.
Protein change: p.Val34Leu; replaces valine 34 with leucine.
Molecular consequence: missense variant. On other transcripts: non-coding transcript variant (1).
Genome position (GRCh38, 1-based): chr4:56,467,735, G>C. VCF-style: chr4-56467735-G-C. GRCh37 (hg19) VCF-style: chr4-57333901-G-C.
Other names: c.100G>C, p.Val34Leu (NM_001267722.2); short protein forms V34L.
Identifiers: ClinVar variation 3449406 (VCV003449406.1).

ClinVar aggregate classification (germline): Uncertain significance (1 of 4 stars; one submission).

gnomAD v4.1: 1 of 1,436,646 alleles (0.00007%); highest among the groups gnomAD compares: African/African-American, 0.0015%; no homozygotes.

Submission:

Ambry Genetics
Classification: Uncertain significance. Last evaluated: 2024-11-24. Review status: criteria provided, single submitter. Criteria: Ambry Variant Classification Scheme 2023. Collection method: clinical testing. Allele origin: germline.
Comment: The p.V34L variant (also known as c.100G>C), located in coding exon 1 of the SRP72 gene, results from a G to C substitution at nucleotide position 100. The valine at codon 34 is replaced by leucine, an amino acid with highly similar properties. This amino acid position is conserved. In addition, this alteration is predicted to be tolerated by in silico analysis. Based on the available evidence, the clinical significance of this variant remains unclear.